The following is an entry in ClinVar:

ClinVar aggregate classification (germline): Uncertain significance. Review status: criteria provided, multiple submitters, no conflicts (2 of 4 stars). 4 submissions from 4 submitters: Uncertain significance (4). Last evaluated 2024-08-24.

Conditions:
Cataract 41 (CTRCT41). Also called: CATARACT 41, CONGENITAL NUCLEAR TYPE. Identifiers: Orphanet 91492, Orphanet 98991, Orphanet 98992, Orphanet 98995, MedGen C3805412, MONDO:0007287, OMIM 116400.
Wolfram syndrome 1 (WFS1). Identifiers: Orphanet 3463, MedGen C4551693, MONDO:0009101, OMIM 222300.
Autosomal dominant nonsyndromic hearing loss 6 (LFSNHL). Also called: Autosomal dominant nonsyndromic deafness 6; DEAFNESS, AUTOSOMAL DOMINANT 6; DEAFNESS, AUTOSOMAL DOMINANT 14; DEAFNESS, AUTOSOMAL DOMINANT 38. Identifiers: Orphanet 90635, MedGen C1833021, MONDO:0010963, OMIM 600965.
Type 2 diabetes mellitus. Also called: Type II diabetes mellitus. Identifiers: MedGen C0011860, MeSH D003924, MONDO:0005148, OMIM 125853, HP:0005978.
Wolfram-like syndrome. Also called: HEARING LOSS, PROGRESSIVE, WITH OPTIC ATROPHY AND/OR IMPAIRED GLUCOSE REGULATION. Identifiers: Orphanet 411590, MedGen C3280358, MONDO:0013673, OMIM 614296.
Inborn genetic diseases. Identifiers: MedGen C0950123, MeSH D030342.

Allele frequency attached by ClinVar (database versions not stated): TOPMed 0.00001.
gnomAD v4.1: 5 of 1,613,056 alleles (0.00031%); highest among the groups gnomAD compares: Non-Finnish European, 0.00042%; no homozygotes.

Submissions (4):

Labcorp Genetics (formerly Invitae), Labcorp
Classification: Uncertain significance. Last evaluated: 2024-08-24. Review status: criteria provided, single submitter. Criteria: Invitae Variant Classification Sherloc (09022015). Collection method: clinical testing. Allele origin: germline.
Comment: This sequence change replaces aspartic acid, which is acidic and polar, with histidine, which is basic and polar, at codon 880 of the WFS1 protein (p.Asp880His). This variant is present in population databases (rs776324301, gnomAD 0.006%). This variant has not been reported in the literature in individuals affected with WFS1-related conditions. ClinVar contains an entry for this variant (Variation ID: 229646). Invitae Evidence Modeling of protein sequence and biophysical properties (such as structural, functional, and spatial information, amino acid conservation, physicochemical variation, residue mobility, and thermodynamic stability) indicates that this missense variant is expected to disrupt WFS1 protein function with a positive predictive value of 95%. In summary, the available evidence is currently insufficient to determine the role of this variant in disease. Therefore, it has been classified as a Variant of Uncertain Significance.

Fulgent Genetics
Classification: Uncertain significance for Cataract 41; Type 2 diabetes mellitus; Wolfram syndrome 1; Autosomal dominant nonsyndromic hearing loss 6; Wolfram-like syndrome. Last evaluated: 2024-05-04. Review status: criteria provided, single submitter. Criteria: ACMG Guidelines, 2015. Collection method: clinical testing. Allele origin: germline.

Ambry Genetics
Classification: Uncertain significance for Inborn genetic diseases. Last evaluated: 2023-07-19. Review status: criteria provided, single submitter. Criteria: Ambry Variant Classification Scheme 2023. Collection method: clinical testing. Allele origin: germline.

Laboratory for Molecular Medicine, Mass General Brigham Personalized Medicine
Classification: Uncertain significance. Last evaluated: 2020-04-07. Review status: criteria provided, single submitter. Criteria: ACMG Guidelines, 2015. Collection method: clinical testing. Allele origin: germline.
Comment: The p.Asp880His variant in WFS1 has not been previously reported in individuals with hearing loss, but has been identified in 0.006% (1/17210) of East Asian chromosomes by gnomAD. Computational prediction tools and conservation analyses suggest that the p.Asp880His variant may impact the protein, though this information is not predictive enough to determine pathogenicity. In summary, the clinical significance of the p.Asp880His variant is uncertain. ACMG/AMP Criteria applied: PM2, PP3.

NM_006005.3(WFS1):c.2638G>C (p.Asp880His)

Gene: WFS1 (wolframin ER transmembrane glycoprotein; plus strand). Cytogenetic location: 4p16.1.
Variant type: single nucleotide variant.
Coding change: c.2638G>C on transcript NM_006005.3 (MANE Select); coding-DNA position 2638, G replaced by C.
Protein change: p.Asp880His; replaces aspartic acid 880 with histidine.
Molecular consequence: missense variant.
Genome position (GRCh38, 1-based): chr4:6,302,433, G>C. VCF-style: chr4-6302433-G-C. GRCh37 (hg19) VCF-style: chr4-6304160-G-C.
Other names: c.2638G>C, p.Asp880His (NM_001145853.1); short protein forms D880H.
Identifiers: ClinVar variation 229646 (VCV000229646.12), dbSNP rs776324301, ClinGen allele CA2839817.